The following is an entry in ClinVar:

NM_153766.3(KCNJ1):c.719A>C (p.Asn240Thr)

Gene: KCNJ1 (potassium inwardly rectifying channel subfamily J member 1; minus strand). Cytogenetic location: 11q24.3.
Variant type: single nucleotide variant.
Coding change: c.719A>C on transcript NM_153766.3 (MANE Select); coding-DNA position 719, A replaced by C.
Protein change: p.Asn240Thr; replaces asparagine 240 with threonine.
Molecular consequence: missense variant.
Genome position (GRCh38, 1-based): chr11:128,839,525, T>G on the plus strand (A>C on the coding strand, the complement: KCNJ1 is on the minus strand). VCF-style: chr11-128839525-T-G. GRCh37 (hg19) VCF-style: chr11-128709420-T-G.
Other names: c.776A>C, p.Asn259Thr (NM_000220.6); c.719A>C, p.Asn240Thr (NM_153764.3, NM_153767.4); c.770A>C, p.Asn257Thr (NM_153765.3); short protein forms N240T, N259T, N257T.
Identifiers: ClinVar variation 64393 (VCV000064393.2), dbSNP rs387907440, ClinGen allele CA216047.

ClinVar aggregate classification (germline): Uncertain significance (0 of 4 stars; one submission).

Submission:

Martin Pollak Laboratory,  Beth Israel Deaconess Medical Center
Classification: Uncertain significance. Review status: no assertion criteria provided. Collection method: not provided. Allele origin: unknown.
Comment: Higher UCa2+ group
ClinVar note: Converted during submission from unknown to Uncertain significance.